The following is an entry in ClinVar:

NM_005787.6(ALG3):c.685C>T (p.Arg229Cys)

Gene: ALG3 (ALG3 alpha-1,3- mannosyltransferase; minus strand). Cytogenetic location: 3q27.1.
Variant type: single nucleotide variant.
Coding change: c.685C>T on transcript NM_005787.6 (MANE Select); coding-DNA position 685, C replaced by T.
Protein change: p.Arg229Cys; replaces arginine 229 with cysteine.
Molecular consequence: missense variant. On other transcripts: non-coding transcript variant (2).
Genome position (GRCh38, 1-based): chr3:184,244,642, G>A on the plus strand (C>T on the coding strand, the complement: ALG3 is on the minus strand). VCF-style: chr3-184244642-G-A. GRCh37 (hg19) VCF-style: chr3-183962430-G-A.
Other names: c.541C>T, p.Arg181Cys (NM_001006941.2); c.580C>T, p.Arg194Cys (NM_001006942.1); short protein forms R181C, R194C, R229C.
Identifiers: ClinVar variation 1957110 (VCV001957110.4), dbSNP rs537211234, ClinGen allele CA2729453.
Genomic context (GRCh38, chr3:184,244,642, plus strand): 5'-AAGGGTGAGATGGGGGTACCTGAAGGCCAGCACAGATTCCCAGCTTGGGGAGGGCCCCAC[G>A]GAAGCCAAACTGTGTGAGGAGAAGAAACAGTAACCCAGGGGCGAAGAGCAGCACATTCAT-3'
Protein context (NP_005778.1, residues 219-239): LFLLLTQFGF[Arg229Cys]GALPKLGICA

ClinVar aggregate classification (germline): Uncertain significance. Review status: criteria provided, multiple submitters, no conflicts (2 of 4 stars). 2 submissions from 2 submitters: Uncertain significance (2). Last evaluated 2025-01-14.

Conditions:
Inborn genetic diseases. Identifiers: MedGen C0950123, MeSH D030342.
ALG3-congenital disorder of glycosylation. Also called: ALG3-CDG; CDG Id; CONGENITAL DISORDER OF GLYCOSYLATION, TYPE Id; CARBOHYDRATE-DEFICIENT GLYCOPROTEIN SYNDROME, TYPE IV; CDGS, TYPE IV. Identifiers: Orphanet 79321, MedGen C1832736, MONDO:0010998, OMIM 601110.

Allele frequency attached by ClinVar (database versions not stated): gnomAD 0.00003; TOPMed 0.00005; gnomAD exomes 0.00006; ExAC 0.00013.
gnomAD v4.1: 85 of 1,610,718 alleles (0.0053%); highest among the groups gnomAD compares: Middle Eastern, 0.12%; no homozygotes.

Submissions (2):

Ambry Genetics
Classification: Uncertain significance for Inborn genetic diseases. Last evaluated: 2025-01-14. Review status: criteria provided, single submitter. Criteria: Ambry Variant Classification Scheme 2023. Collection method: clinical testing. Allele origin: germline.

Labcorp Genetics (formerly Invitae), Labcorp
Classification: Uncertain significance for ALG3-congenital disorder of glycosylation. Last evaluated: 2022-04-06. Review status: criteria provided, single submitter. Criteria: Invitae Variant Classification Sherloc (09022015). Collection method: clinical testing. Allele origin: germline.
Comment: This sequence change replaces arginine, which is basic and polar, with cysteine, which is neutral and slightly polar, at codon 229 of the ALG3 protein (p.Arg229Cys). This variant is present in population databases (rs537211234, gnomAD 0.04%). This variant has not been reported in the literature in individuals affected with ALG3-related conditions. Algorithms developed to predict the effect of missense changes on protein structure and function (SIFT, PolyPhen-2, Align-GVGD) all suggest that this variant is likely to be disruptive. In summary, the available evidence is currently insufficient to determine the role of this variant in disease. Therefore, it has been classified as a Variant of Uncertain Significance.